The following is an entry in ClinVar:

NM_002691.4(POLD1):c.619T>G (p.Ser207Ala)

Gene: POLD1 (DNA polymerase delta 1, catalytic subunit; plus strand). Cytogenetic location: 19q13.33.
Variant type: single nucleotide variant.
Coding change: c.619T>G on transcript NM_002691.4 (MANE Select); coding-DNA position 619, T replaced by G.
Protein change: p.Ser207Ala; replaces serine 207 with alanine.
Molecular consequence: missense variant. On other transcripts: non-coding transcript variant (1).
Genome position (GRCh38, 1-based): chr19:50,402,234, T>G. VCF-style: chr19-50402234-T-G. GRCh37 (hg19) VCF-style: chr19-50905491-T-G.
Other names: c.619T>G, p.Ser207Ala (NM_001256849.1, NM_001308632.1); short protein forms S207A.
Identifiers: ClinVar variation 1752162 (VCV001752162.2), dbSNP rs1601200483, ClinGen allele CA406973921.
Genomic context (GRCh38, chr19:50,402,234, plus strand): 5'-ATTGGCTGGTCCCAGCTTCTTCCATCCACAGGCATGTTTGGGTACCACGGGCACGGCCCC[T>G]CCCCGTTCCTGCGCATCACCGTGGCGCTGCCGCGCCTCGTGGCCCCGGCCCGCCGTCTCC-3'
Protein context (NP_002682.2, residues 197-217): SMFGYHGHGP[Ser207Ala]PFLRITVALP

ClinVar aggregate classification (germline): Uncertain significance (1 of 4 stars; one submission).

Conditions:
Hereditary cancer-predisposing syndrome. Also called: Hereditary Cancer Syndrome; Hereditary neoplastic syndrome; Neoplastic Syndromes, Hereditary; Tumor predisposition. Identifiers: Orphanet 140162, MedGen C0027672, MeSH D009386, MONDO:0015356.

Submission:

Ambry Genetics
Classification: Uncertain significance for Hereditary cancer-predisposing syndrome. Last evaluated: 2022-02-05. Review status: criteria provided, single submitter. Criteria: Ambry Variant Classification Scheme 2023. Collection method: clinical testing. Allele origin: germline.
Comment: The p.S207A variant (also known as c.619T>G), located in coding exon 5 of the POLD1 gene, results from a T to G substitution at nucleotide position 619. The serine at codon 207 is replaced by alanine, an amino acid with similar properties. This amino acid position is conserved. In addition, this alteration is predicted to be tolerated by in silico analysis. Since supporting evidence is limited at this time, the clinical significance of this alteration remains unclear.